The following is an entry in ClinVar:

NM_000218.3(KCNQ1):c.1486_1487del (p.Leu496fs)

Genes: KCNQ1 (potassium voltage-gated channel subfamily Q member 1; plus strand), KCNQ1OT1 (KCNQ1 opposite strand/antisense transcript 1; minus strand). Cytogenetic location: 11p15.5.
Variant type: Microsatellite.
Coding change: c.1486_1487del on transcript NM_000218.3 (MANE Select); coding-DNA positions 1486 to 1487, 2 bases deleted (CT; older notation c.1486_1487delCT).
Protein change: p.Leu496fs; shifts the reading frame from leucine 496.
Molecular consequence: frameshift variant.
Genome position (GRCh38, 1-based): chr11:2,662,053-2,662,054, CT deleted; deleting any 2 consecutive bases within chr11:2,662,051-2,662,054 gives the same sequence; the c. name uses the placement nearest the transcript's 3' end. VCF-style (leftmost placement, unchanged base first): chr11-2662050-ACT-A. GRCh37 (hg19) VCF-style: chr11-2683280-ACT-A.
Other names: c.1486_1487delCT (NM_000218.2); c.1486_1487del (NM_000218.2); c.1390_1391del, p.Leu464fs (NM_001406836.1); c.1216_1217del, p.Leu406fs (NM_001406837.1); c.946_947del, p.Leu316fs (NM_001406838.1); c.1105_1106del, p.Leu369fs (NM_181798.2); short protein forms L369fs, L496fs, L316fs, L406fs, L464fs.
Identifiers: ClinVar variation 52983 (VCV000052983.28), dbSNP rs397508090, ClinGen allele CA005794.
Genomic context (GRCh38, chr11:2,662,050, plus strand): 5'-AGCATGCCCCATTTCATGAGAACCAACAGCTTCGCCGAGGACCTGGACCTGGAAGGGGAG[ACT>A]CTGCTGACACCCATCACCCACATCTCACAGTGAGTGCCTACATGTGCGTGAAGGGCTGGG-3'

ClinVar aggregate classification (germline): Pathogenic. Review status: criteria provided, multiple submitters, no conflicts (2 of 4 stars). 8 submissions from 8 submitters: Pathogenic (7). 1 of the submissions does not count toward it. Last evaluated 2025-03-06.

Conditions:
KCNQ1-related epilepsy.
Cardiac arrhythmia. Also called: Cardiac rhythm disease; Arrhythmia. Identifiers: MedGen C0003811, MONDO:0007263, HP:0011675.
Cardiovascular phenotype. Identifiers: MedGen CN230736.
KCNQ1-related disorder. Also called: KCNQ1-related condition; KCNQ1-related disorders. Identifiers: MedGen CN239322.
Atrial fibrillation, familial, 3 (ATFB3). Identifiers: MedGen C1837014, MONDO:0011857, OMIM 607554.
Short QT syndrome type 2. Identifiers: Orphanet 51083, MedGen C1865019, MONDO:0012313, OMIM 609621.
Long QT syndrome 1 (LQT1). Identifiers: Orphanet 101016, Orphanet 768, MedGen C4551647, MONDO:0100316, OMIM 192500, MONDO:0008646.
Jervell and Lange-Nielsen syndrome 1 (JLNS1). Also called: PROLONGED QT INTERVAL IN EKG AND SUDDEN DEATH; SURDO-CARDIAC SYNDROME; CARDIOAUDITORY SYNDROME OF JERVELL AND LANGE-NIELSEN; DEAFNESS, CONGENITAL, AND FUNCTIONAL HEART DISEASE. Identifiers: Orphanet 768, Orphanet 90647, MedGen C4551509, MONDO:0024540, OMIM 220400.
Long QT syndrome (LQTS). Identifiers: MedGen C0023976, MeSH D008133, MONDO:0002442. Disease mechanism: loss of function. Inheritance: Various modes of inheritance.

Submissions (8):

Victorian Clinical Genetics Services, Murdoch Childrens Research Institute
Classification: Pathogenic for Long QT syndrome 1. Last evaluated: 2025-03-06. Review status: criteria provided, single submitter. Criteria: ACMG Guidelines, 2015. Collection method: clinical testing. Allele origin: germline. Affected: yes.
Comment: This variant is classified as Pathogenic. Evidence in support of pathogenic classification: Variant is predicted to cause nonsense-mediated decay (NMD) and loss of protein (premature termination codon is located at least 54 nucleotides upstream of the final exon-exon junction); Variant is present in gnomAD <0.01 (v4: 4 heterozygote(s), 0 homozygote(s)) ; This variant has strong previous evidence of pathogenicity in unrelated individuals. This variant has been reported in a heterozygous state in individuals with LQTS. It has also been reported in a homozygous or compound heterozygous state n individuals with Jervell and Lange-Nielsen syndrome (PMIDs: 16414944, 28438721, 27917693). The variant has been classified as pathogenic by clinical testing laboratories, and also as a VUS in an individual with a non-cardiac phenotype (ClinVar); Other NMD-predicted variants comparable to the one identified in this case have very strong previous evidence for pathogenicity (DECIPHER). Additional information: This variant is heterozygous; This gene is associated with both recessive and dominant disease. Jervell and Lange-Nielsen syndrome is characterised by congenital, bilateral deafness and variable degrees of QT prolongation, and is the only condition associated with this gene caused by biallelic variants (PMID: 28438721); Dominant negative, loss of function and gain of function are known mechanisms of disease in this gene. Gain of function variants result exclusively in short QT syndrome 2 (MIM#609621), while dominant negative and loss of function variants can cause long QT syndrome 1 (LQTS, MIM#192500), familial atrial fibrillation 3 (MIM#607554) as well as Jervell and Lange-Nielsen syndrome (MIM#220400) (OMIM, PMIDs: 19632626, 28438721); The condition associated with this gene has incomplete penetrance (OMIM, PMID: 20301308); Inheritance information for this variant is not currently available in this individual.

Color Diagnostics, LLC DBA Color Health
Classification: Pathogenic for Cardiac arrhythmia. Last evaluated: 2025-02-10. Review status: criteria provided, single submitter. Criteria: ACMG Guidelines, 2015. Collection method: clinical testing. Allele origin: germline.
Comment: This variant deletes 2 nucleotides in exon 11 of the KCNQ1 gene, creating a frameshift and premature translation stop signal. This variant is expected to result in an absent or non-functional protein product. This variant has been reported in individuals affected with long QT syndrome (PMID: 16414944, 28438721). This variant has also been reported in one homozygous individual (PMID: 28438721) and two compound heterozygous siblings affected with autosomal recessive Jervell and Lange-Nielsen syndrome (PMID: 27917693). Loss of KCNQ1 function is a known mechanism of disease. Based on the available evidence, this variant is classified as Pathogenic.

Labcorp Genetics (formerly Invitae), Labcorp
Classification: Pathogenic for Long QT syndrome. Last evaluated: 2024-12-24. Review status: criteria provided, single submitter. Criteria: Invitae Variant Classification Sherloc (09022015). Collection method: clinical testing. Allele origin: germline.
Comment: This sequence change creates a premature translational stop signal (p.Leu496Alafs*19) in the KCNQ1 gene. It is expected to result in an absent or disrupted protein product. Loss-of-function variants in KCNQ1 are known to be pathogenic (PMID: 9323054, 19862833). This variant is not present in population databases (gnomAD no frequency). This premature translational stop signal has been observed in individual(s) with Jervell and Lange-Nielsen syndrome, long QT syndrome, or sudden unexplained death (PMID: 16414944, 24372464, 29511324). This variant is also known as c.1484_1485delCT. ClinVar contains an entry for this variant (Variation ID: 52983). For these reasons, this variant has been classified as Pathogenic.

Blueprint Genetics
Classification: Pathogenic for KCNQ1-related disorders. Last evaluated: 2024-11-27. Review status: criteria provided, single submitter. Criteria: ACMG Guidelines, 2015. Collection method: clinical testing. Allele origin: germline. Affected: yes. Observed: 2 variant alleles.

GeneDx
Classification: Pathogenic. Last evaluated: 2022-01-19. Review status: criteria provided, single submitter. Criteria: GeneDx Variant Classification Process June 2021. Collection method: clinical testing. Allele origin: germline. Affected: yes.
Comment: Frameshift variant predicted to result in protein truncation or nonsense mediated decay in a gene for which loss-of-function is a known mechanism of disease; Not observed at significant frequency in large population cohorts (gnomAD); This variant is associated with the following publications: (PMID: 29511324, 22956155, 24372464, 16414944, 27917693, 28438721)

Ambry Genetics
Classification: Pathogenic for Cardiovascular phenotype. Last evaluated: 2020-09-23. Review status: criteria provided, single submitter. Criteria: Ambry Variant Classification Scheme 2023. Collection method: clinical testing. Allele origin: germline.
Comment: The c.1486_1487delCT pathogenic mutation, located in coding exon 11 of the KCNQ1 gene, results from a deletion of two nucleotides at nucleotide positions 1486 to 1487, causing a translational frameshift with a predicted alternate stop codon (p.L496Afs*19). This mutation has been reported in several long QT syndrome cohorts, including multiple Jervell and Lange-Nielsen homozygous and compound heterozygous probands and affected heterozygous family members (Napolitano C et al. JAMA, 2005 Dec;294:2975-80; Al-Aama JY et al. Clin. Genet., 2015 Dec;87:74-9; Wang C et al. Acta Otolaryngol., 2017 May;137:522-528; Al-Hassnan ZN et al. Heart Rhythm, 2017 08;14:1191-1199). In addition to the clinical data presented in the literature, this alteration is expected to result in loss of function by premature protein truncation or nonsense-mediated mRNA decay. As such, this alteration is interpreted as a disease-causing mutation.

Juno Genomics, Hangzhou Juno Genomics, Inc
Classification: Pathogenic for Long QT syndrome 1; Atrial fibrillation, familial, 3; Jervell and Lange-Nielsen syndrome 1; Short QT syndrome type 2. Review status: criteria provided, single submitter. Criteria: ACMG Guidelines, 2015. Collection method: clinical testing. Allele origin: germline.
Comment: Null variant in a gene where loss of function (LOF) is a known mechanism of disease.;The prevalence of the variant in affected individuals is significantly increased compared to the prevalence in controls.;For recessive disorders, detected in trans with a pathogenic variant.

New York Genome Center
Classification: Uncertain significance for KCNQ1-related epilepsy. Last evaluated: 2021-07-02. Review status: flagged submission. Criteria: NYGC Assertion Criteria 2020. Collection method: clinical testing. Allele origin: inherited. Observed: 1 heterozygote. Study: CSER-NYCKidSeq. Not counted in ClinVar's aggregate classification.
Comment: The inherited heterozygous two nucleotide deletion [c.1486_1487del (p.Leu496AlafsTer19)] identified in exon 11 (of 16) of the KCNQ1 gene alters the wild-type translational reading frame and is predicted to cause loss of normal protein function either through protein truncation or nonsense-mediated mRNA decay. The variant has been reported in multiple individuals affected with LQTS and JLNS [PMID: 16414944, 27917693, 24372464, 28438721]. It was reported as homozygous and co-segregated with JLNS in two Saudi Arabian families [PMID: 24372464, 28438721]. In both families, individuals homozygous for this variant as well as several heterozygous carriers had LQTS. Additionally, this variant has been reported in compound heterozygosity with the c.683 + 5 G>A variant in a Chinese family affected with JLNS [PMID: 27917693]. Seizures were not reported in any individual in these studies carrying the c.1486_1487del (p.Leu496AlafsTer19) variant. The variant has been reported as Pathogenic in ClinVar database [Variation ID: 52983, phenotypic condition not provided]. The variant is absent from gnomAD(v3) database suggesting it is not a common benign variant in the populations represented in that database. Based on the available evidence, although pathogenic for LQTS and JLNS, the inherited c.1486_1487del (p.Leu496AlafsTer19)] variant is reported as a Variant of Uncertain Significance in a Gene of Unknown Significance for epilepsy phenotype.
ClinVar note: Reason: Unnecessary conflicting claim for distinct condition when other classifications are more relevant

Literature cited by the submitters: PubMed 16414944 (cited by 4 submitters); PubMed 28438721 (cited by 3 submitters); PubMed 27917693 (cited by 3 submitters); PubMed 20301308 (cited by Victorian Clinical Genetics Services, Murdoch Childrens Research Institute); PubMed 19632626 (cited by Victorian Clinical Genetics Services, Murdoch Childrens Research Institute); PubMed 9323054 (cited by Labcorp Genetics (formerly Invitae), Labcorp); PubMed 19862833 (cited by Labcorp Genetics (formerly Invitae), Labcorp); PubMed 24372464 (cited by Labcorp Genetics (formerly Invitae), Labcorp and Ambry Genetics); PubMed 29511324 (cited by Labcorp Genetics (formerly Invitae), Labcorp and Ambry Genetics).